The following is an entry in ClinVar:

ClinVar aggregate classification (germline): Benign/Likely benign. Review status: criteria provided, multiple submitters, no conflicts (2 of 4 stars). 3 submissions from 3 submitters: Benign (1); Likely benign (2). Last evaluated 2024-10-10.

Conditions:
Hereditary diffuse gastric adenocarcinoma (HDGC). Also called: DIFFUSE GASTRIC AND LOBULAR BREAST CANCER SYNDROME. Identifiers: Orphanet 26106, MedGen C1708349, MONDO:0007648, OMIM 137215.
Hereditary cancer-predisposing syndrome. Also called: Neoplastic Syndromes, Hereditary; Tumor predisposition; Hereditary Cancer Syndrome; Hereditary neoplastic syndrome. Identifiers: Orphanet 140162, MedGen C0027672, MeSH D009386, MONDO:0015356.

gnomAD v4.1: 2 of 1,614,200 alleles (0.00012%); highest among the groups gnomAD compares: Non-Finnish European, 0.00017%; no homozygotes.

Submissions (3):

Myriad Genetics, Inc.
Classification: Benign for Hereditary diffuse gastric adenocarcinoma. Last evaluated: 2024-10-10. Review status: criteria provided, single submitter. Criteria: Myriad Autosomal Dominant, Autosomal Recessive and X-Linked Classification Criteria (2023). Collection method: clinical testing. Allele origin: unknown.
Comment: This variant is considered benign. This variant is a silent/synonymous amino acid change and it is not expected to impact splicing.

Ambry Genetics
Classification: Likely benign for Hereditary cancer-predisposing syndrome. Last evaluated: 2022-04-21. Review status: criteria provided, single submitter. Criteria: Ambry Variant Classification Scheme 2023. Collection method: clinical testing. Allele origin: germline.

Labcorp Genetics (formerly Invitae), Labcorp
Classification: Likely benign. Last evaluated: 2020-05-28. Review status: criteria provided, single submitter. Criteria: Invitae Variant Classification Sherloc (09022015). Collection method: clinical testing. Allele origin: germline.

NM_001903.5(CTNNA1):c.726C>T (p.Asp242=)

Gene: CTNNA1 (catenin alpha 1; plus strand). Cytogenetic location: 5q31.2.
Variant type: single nucleotide variant.
Coding change: c.726C>T on transcript NM_001903.5 (MANE Select); coding-DNA position 726, C replaced by T.
Protein change: p.Asp242=; no amino-acid change (aspartic acid 242 retained).
Molecular consequence: synonymous variant.
Genome position (GRCh38, 1-based): chr5:138,824,667, C>T. VCF-style: chr5-138824667-C-T. GRCh37 (hg19) VCF-style: chr5-138160356-C-T.
Other names: c.726C>T, p.Asp242= (NM_001290307.3, NM_001323982.2, NM_001323983.1 and 3 more transcripts); c.417C>T, p.Asp139= (NM_001290309.3); c.357C>T, p.Asp119= (NM_001290310.3).
Identifiers: ClinVar variation 1125802 (VCV001125802.12), dbSNP rs2149776118, ClinGen allele CA446594805.
Genomic context (GRCh38, chr5:138,824,667, plus strand): 5'-TACTGCATCCCAGGCATGCCTACAGCACCCTGATGTCGCAGCCTATAAGGCCAACAGGGA[C>T]CTGATATACAAGCAGCTGCAGCAGGCGGTCACAGGCATTTCCAATGCAGCCCAGGCCACT-3'
Protein context (NP_001894.2, residues 232-252): PDVAAYKANR[Asp242=]LIYKQLQQAV